The following is an entry in ClinVar:

NM_000283.4(PDE6B):c.1060-13G>A

Gene: PDE6B (phosphodiesterase 6B; plus strand). Cytogenetic location: 4p16.3.
Variant type: single nucleotide variant.
Coding change: c.1060-13G>A on transcript NM_000283.4 (MANE Select); 13 bases into the intron before coding-DNA position 1060, G replaced by A.
Molecular consequence: intron variant.
Genome position (GRCh38, 1-based): chr4:656,232, G>A. VCF-style: chr4-656232-G-A. GRCh37 (hg19) VCF-style: chr4-650021-G-A.
Other names: c.1060-13G>A (NM_001145291.2); c.223-13G>A (NM_001379246.1, NM_001379247.1, NM_001145292.2 and 1 more transcripts); c.-48-642G>A (NM_001350155.3).
Identifiers: ClinVar variation 349370 (VCV000349370.24), dbSNP rs147482093, ClinGen allele CA2794329.

ClinVar aggregate classification (germline): Conflicting classifications of pathogenicity. Review status: criteria provided, conflicting classifications (1 of 4 stars). 6 submissions from 5 submitters: Uncertain significance (1); Benign (4); Likely benign (1). Last evaluated 2026-01-26.

Conditions:
Retinitis pigmentosa (RP). Identifiers: Orphanet 791, MedGen C0035334, MeSH D012174, MONDO:0019200, OMIM 268000. Inheritance: Autosomal dominant, autosomal recessive and X linked inheritance.
Congenital stationary night blindness autosomal dominant 2. Also called: NIGHT BLINDNESS, CONGENITAL STATIONARY, RAMBUSCH TYPE. Identifiers: Orphanet 215, MedGen C1876182, MONDO:0008099, OMIM 163500.

Allele frequency attached by ClinVar (database versions not stated): 1000 Genomes Project 30x 0.00109; 1000 Genomes Project 0.00120; ESP Exome Variant Server 0.00269; TOPMed 0.00275; gnomAD 0.00348 and 0.00365; gnomAD exomes 0.00379 and 0.00454; ExAC 0.00399.
gnomAD v4.1: 6,947 of 1,584,346 alleles (0.44%); highest among the groups gnomAD compares: Non-Finnish European, 0.52%; 22 homozygotes.

Submissions (6):

Labcorp Genetics (formerly Invitae), Labcorp
Classification: Benign. Last evaluated: 2026-01-26. Review status: criteria provided, single submitter. Criteria: Invitae Variant Classification Sherloc (09022015). Collection method: clinical testing. Allele origin: germline.

Blueprint Genetics
Classification: Likely benign. Last evaluated: 2024-11-22. Review status: criteria provided, single submitter. Criteria: ACMG Guidelines, 2015. Collection method: clinical testing. Allele origin: germline.

ARUP Laboratories, Molecular Genetics and Genomics, ARUP Laboratories
Classification: Benign. Last evaluated: 2023-10-23. Review status: criteria provided, single submitter. Criteria: ARUP Molecular Germline Variant Investigation Process 2024. Collection method: clinical testing. Allele origin: germline.

Illumina Laboratory Services, Illumina
Classification: Benign for Congenital stationary night blindness autosomal dominant 2. Last evaluated: 2018-01-13. Review status: criteria provided, single submitter. Criteria: ICSL Variant Classification Criteria 13 December 2019. Collection method: clinical testing. Allele origin: germline.
Comment: This variant was observed in the ICSL laboratory as part of a predisposition screen in an ostensibly healthy population. It had not been previously curated by ICSL or reported in the Human Gene Mutation Database (HGMD: prior to June 1st, 2018), and was therefore a candidate for classification through an automated scoring system. Utilizing variant allele frequency, disease prevalence and penetrance estimates, and inheritance mode, an automated score was calculated to assess if this variant is too frequent to cause the disease. Based on the score and internal cut-off values, a variant classified as benign is not then subjected to further curation. The score for this variant resulted in a classification of benign for this disease.

Illumina Laboratory Services, Illumina
Classification: Uncertain significance for Retinitis pigmentosa. Last evaluated: 2018-01-13. Review status: criteria provided, single submitter. Criteria: ICSL Variant Classification Criteria 13 December 2019. Collection method: clinical testing. Allele origin: germline.

GeneDx
Classification: Benign. Last evaluated: 2015-03-03. Review status: criteria provided, single submitter. Criteria: GeneDx Variant Classification Process June 2021. Collection method: clinical testing. Allele origin: germline. Affected: yes.